The following is an entry in ClinVar:

NC_000010.10:g.(?_121411188)_(121411387_?)del

Gene: BAG3 (BAG cochaperone 3; plus strand). Cytogenetic location: 10q26.11.
Variant type: Deletion.
Identifiers: ClinVar variation 1455927 (VCV001455927.5).

ClinVar aggregate classification (germline): Pathogenic (1 of 4 stars; one submission).

Conditions:
Myofibrillar myopathy 6. Identifiers: Orphanet 199340, MedGen C2751831, MONDO:0013061, OMIM 612954.
Dilated cardiomyopathy 1HH (CMD1HH). Identifiers: Orphanet 154, MedGen C3151293, MONDO:0013479, OMIM 613881.

Submission:

Labcorp Genetics (formerly Invitae), Labcorp
Classification: Pathogenic for Dilated cardiomyopathy 1HH; Myofibrillar myopathy 6. Last evaluated: 2023-09-13. Review status: criteria provided, single submitter. Criteria: Invitae Variant Classification Sherloc (09022015). Collection method: clinical testing. Allele origin: germline.
Comment: This variant is a gross deletion of the genomic region encompassing exon(s) 1 of the BAG3 gene, which includes the initiator codon. This deletion extends beyond the assayed region for this gene and therefore may encompass additional genes. It is expected to result in an absent or disrupted protein product. Loss-of-function variants in BAG3 are known to be pathogenic (PMID: 21353195, 25008357). This variant has not been reported in the literature in individuals affected with BAG3-related conditions. For these reasons, this variant has been classified as Pathogenic.

Literature cited by the submitters: PubMed 21353195; PubMed 25008357.